The following is an entry in ClinVar:

ClinVar aggregate classification (germline): Uncertain significance (1 of 4 stars; one submission).

Conditions:
Developmental delay with or without dysmorphic facies and autism. Identifiers: MedGen C5193106, MONDO:0032760, OMIM 618454.

Submission:

Pittsburgh Clinical Genomics Laboratory, University of Pittsburgh Medical Center
Classification: Uncertain significance for Developmental delay with or without dysmorphic facies and autism. Last evaluated: 2024-06-07. Review status: criteria provided, single submitter. Criteria: ACMG Guidelines, 2015. Collection method: clinical testing. Allele origin: germline. Inheritance: Autosomal dominant inheritance. Affected: yes.
Comment: This sequence variant is a single nucleotide substitution (T>G) at position 6634 of the coding sequence of the TRRAP gene that results in a serine to alanine amino acid change at residue 2212 of the transformation/transcription domain associated protein. This variant is absent from ClinVar and has not been observed in individuals affected by a TRRAP-related disorder in the published literature, to our knowledge. This novel variant is absent from ClinVar, publications, and the gnomAD v4.10 population database (0/~ 1614000 alleles). Multiple bioinformatic tools predict that this amino acid change would be neutral, and the Ser2212 residue at this position is highly conserved across the vertebrate species examined. Studies examining the functional consequence of this variant have not been performed, to our knowledge. At this time, there is insufficient evidence to determine if this variant is pathogenic or benign. Therefore, we consider this a variant of uncertain significance. ACMG Criteria: BP4, PM2

NM_001375524.1(TRRAP):c.6709T>G (p.Ser2237Ala)

Gene: TRRAP (transformation/transcription domain associated protein; plus strand). Cytogenetic location: 7q22.1.
Variant type: single nucleotide variant.
Coding change: c.6709T>G on transcript NM_001375524.1 (MANE Select); coding-DNA position 6709, T replaced by G.
Protein change: p.Ser2237Ala; replaces serine 2237 with alanine.
Molecular consequence: missense variant.
Genome position (GRCh38, 1-based): chr7:98,962,307, T>G. VCF-style: chr7-98962307-T-G. GRCh37 (hg19) VCF-style: chr7-98559930-T-G.
Other names: c.6688T>G, p.Ser2230Ala (NM_001244580.2); c.6634T>G, p.Ser2212Ala (NM_003496.4); short protein forms S2212A, S2230A, S2237A.
Identifiers: ClinVar variation 3376440 (VCV003376440.1).